The following is an entry in ClinVar:

NM_001330078.2(NRXN1):c.3647G>A (p.Arg1216His)

Gene: NRXN1 (neurexin 1; minus strand). Cytogenetic location: 2p16.3.
Variant type: single nucleotide variant.
Coding change: c.3647G>A on transcript NM_001330078.2 (MANE Select); coding-DNA position 3647, G replaced by A.
Protein change: p.Arg1216His; replaces arginine 1216 with histidine.
Molecular consequence: missense variant.
Genome position (GRCh38, 1-based): chr2:50,091,394, C>T on the plus strand (G>A on the coding strand, the complement: NRXN1 is on the minus strand). VCF-style: chr2-50091394-C-T. GRCh37 (hg19) VCF-style: chr2-50318532-C-T.
Other names: c.3767G>A, p.Arg1256His (NM_001135659.3); c.3623G>A, p.Arg1208His (NM_001330077.2, NM_001330082.2); c.3581G>A, p.Arg1194His (NM_001330083.2, NM_001330084.2); c.3620G>A, p.Arg1207His (NM_001330085.2); c.3647G>A, p.Arg1216His (NM_001330086.2, NM_004801.6); c.3536G>A, p.Arg1179His (NM_001330087.2, NM_001330096.2); c.3566G>A, p.Arg1189His (NM_001330088.2); c.542G>A, p.Arg181His (NM_001330091.2, NM_001330092.2, NM_001330097.2 and 1 more transcripts); and 3 more; short protein forms R1207H, R1256H, R1212H, R1215H, R1216H, R1179H, R1189H, R1194H.
Identifiers: ClinVar variation 863683 (VCV000863683.8), dbSNP rs765200132, ClinGen allele CA1654402.

ClinVar aggregate classification (germline): Uncertain significance (1 of 4 stars; one submission).

Conditions:
Pitt-Hopkins-like syndrome 2 (PTHSL2). Identifiers: Orphanet 221150, Orphanet 600663, MedGen C3280479, MONDO:0013690, OMIM 614325.

Allele frequency attached by ClinVar (database versions not stated): ExAC 0.00001; gnomAD 0.00001; gnomAD exomes 0.00001; TOPMed 0.00001.
gnomAD v4.1: 11 of 1,614,076 alleles (0.00068%); highest among the groups gnomAD compares: Non-Finnish European, 0.00076%; no homozygotes.

Submission:

Labcorp Genetics (formerly Invitae), Labcorp
Classification: Uncertain significance for Pitt-Hopkins-like syndrome 2. Last evaluated: 2025-09-02. Review status: criteria provided, single submitter. Criteria: Invitae Variant Classification Sherloc (09022015). Collection method: clinical testing. Allele origin: germline.
Comment: This sequence change replaces arginine, which is basic and polar, with histidine, which is basic and polar, at codon 1256 of the NRXN1 protein (p.Arg1256His). This variant is present in population databases (rs765200132, gnomAD 0.002%). This variant has not been reported in the literature in individuals affected with NRXN1-related conditions. ClinVar contains an entry for this variant (Variation ID: 863683). Invitae Evidence Modeling of protein sequence and biophysical properties (such as structural, functional, and spatial information, amino acid conservation, physicochemical variation, residue mobility, and thermodynamic stability) indicates that this missense variant is not expected to disrupt NRXN1 protein function with a negative predictive value of 80%. In summary, the available evidence is currently insufficient to determine the role of this variant in disease. Therefore, it has been classified as a Variant of Uncertain Significance.